The following is an entry in ClinVar:

NM_001127511.3(APC):c.121C>G (p.Pro41Ala)

Gene: APC (APC regulator of Wnt signaling pathway; plus strand). Cytogenetic location: 5q22.2.
Variant type: single nucleotide variant.
Coding change: c.121C>G on transcript NM_001127511.3; coding-DNA position 121, C replaced by G.
Protein change: p.Pro41Ala; replaces proline 41 with alanine.
Molecular consequence: missense variant. On other transcripts: 5 prime UTR variant (8), non-coding transcript variant (1), intron variant (5).
Genome position (GRCh38, 1-based): chr5:112,707,838, C>G. VCF-style: chr5-112707838-C-G. GRCh37 (hg19) VCF-style: chr5-112043535-C-G.
Other names: c.-63C>G (NM_001354895.2, NM_001407447.1, NM_001407452.1 and 3 more transcripts); c.121C>G, p.Pro41Ala (NM_001354897.2, NM_001354902.2, NM_001407446.1); c.-1098C>G (NM_001407470.1, NM_001407472.1); c.-19+189C>G (NM_001407448.1, NM_001407450.1, NM_001407457.1 and 1 more transcripts); c.-43+189C>G (NM_001407453.1); short protein forms P41A.
Identifiers: ClinVar variation 537696 (VCV000537696.11), dbSNP rs1248809012, ClinGen allele CA360612047.

ClinVar aggregate classification (germline): Conflicting classifications of pathogenicity. Review status: criteria provided, conflicting classifications (1 of 4 stars). 2 submissions from 2 submitters: Uncertain significance (1); Likely benign (1). Last evaluated 2025-12-20.

Conditions:
Familial adenomatous polyposis 1 (FAP1). Also called: FAMILIAL ADENOMATOUS POLYPOSIS 1, ATTENUATED; POLYPOSIS, ADENOMATOUS INTESTINAL. Identifiers: MedGen C2713442, MONDO:0021056, OMIM 175100. Disease mechanism: loss of function.

Allele frequency attached by ClinVar (database versions not stated): gnomAD 0.00001; TOPMed below 0.00001.
gnomAD v4.1: 9 of 1,370,302 alleles (0.00066%); highest among the groups gnomAD compares: African/African-American, 0.0014%; no homozygotes.

Submissions (2):

Labcorp Genetics (formerly Invitae), Labcorp
Classification: Uncertain significance for Familial adenomatous polyposis 1. Last evaluated: 2025-12-20. Review status: criteria provided, single submitter. Criteria: Invitae Variant Classification Sherloc (09022015). Collection method: clinical testing. Allele origin: germline.
Comment: This variant occurs in a non-coding region of the APC gene. It does not change the encoded amino acid sequence of the APC protein. This variant is present in population databases (no rsID available, gnomAD 0.01%). This variant has not been reported in the literature in individuals affected with APC-related conditions. ClinVar contains an entry for this variant (Variation ID: 537696). Experimental studies and prediction algorithms are not available or were not evaluated, and the functional significance of this variant is currently unknown. In summary, the available evidence is currently insufficient to determine the role of this variant in disease. Therefore, it has been classified as a Variant of Uncertain Significance.

Blueprint Genetics
Classification: Likely benign. Last evaluated: 2020-10-06. Review status: criteria provided, single submitter. Criteria: ACMG Guidelines, 2015. Collection method: clinical testing. Allele origin: germline.